The following is an entry in ClinVar:

ClinVar aggregate classification (germline): Pathogenic (0 of 4 stars; one submission).

Conditions:
Microcephaly 5, primary, autosomal recessive (MCPH5). Also called: ASPM Primary Microcephaly. Identifiers: Orphanet 2512, MedGen C1837501, MONDO:0012106, OMIM 608716.

Submission:

GeneReviews
Classification: Pathogenic for Primary Autosomal Recessive Microcephaly. Last evaluated: 2009-09-01. Review status: no assertion criteria provided. Collection method: curation. Allele origin: unknown.
ClinVar note: Converted during submission from pathologic to Pathogenic.

nsv930453

Gene: ASPM (assembly factor for spindle microtubules; minus strand). Cytogenetic location: 1q31.3.
Variant type: Deletion.
Other names: c.297+1460_3391-242del21844.
Identifiers: ClinVar variation 38806 (VCV000038806.3).